The following is an entry in ClinVar:

ClinVar aggregate classification (germline): Uncertain significance. Review status: criteria provided, multiple submitters, no conflicts (2 of 4 stars). 3 submissions from 3 submitters: Uncertain significance (3). Last evaluated 2025-07-14.

Conditions:
Global developmental delay - lung cysts - overgrowth - Wilms tumor syndrome. Also called: GLOW Syndrome; GLOBAL DEVELOPMENTAL DELAY, LUNG CYSTS, OVERGROWTH, AND WILMS TUMOR. Identifiers: Orphanet 404476, MedGen C4748924, MONDO:0018445, OMIM 618272.
DICER1-related tumor predisposition. Also called: DICER1-related pleuropulmonary blastoma cancer predisposition syndrome; DICER1 syndrome. Identifiers: Orphanet 284343, MedGen C3839822, MONDO:0100216.
Hereditary cancer-predisposing syndrome. Also called: Hereditary Cancer Syndrome; Tumor predisposition; Neoplastic Syndromes, Hereditary; Hereditary neoplastic syndrome. Identifiers: Orphanet 140162, MedGen C0027672, MeSH D009386, MONDO:0015356.

Allele frequency attached by ClinVar (database versions not stated): TOPMed below 0.00001.

Submissions (3):

Labcorp Genetics (formerly Invitae), Labcorp
Classification: Uncertain significance for DICER1-related tumor predisposition. Last evaluated: 2025-07-14. Review status: criteria provided, single submitter. Criteria: Invitae Variant Classification Sherloc (09022015). Collection method: clinical testing. Allele origin: germline.
Comment: This sequence change replaces threonine, which is neutral and polar, with isoleucine, which is neutral and non-polar, at codon 1126 of the DICER1 protein (p.Thr1126Ile). This variant is not present in population databases (gnomAD no frequency). This variant has not been reported in the literature in individuals affected with DICER1-related conditions. ClinVar contains an entry for this variant (Variation ID: 652492). Invitae Evidence Modeling of protein sequence and biophysical properties (such as structural, functional, and spatial information, amino acid conservation, physicochemical variation, residue mobility, and thermodynamic stability) indicates that this missense variant is not expected to disrupt DICER1 protein function with a negative predictive value of 95%. In summary, the available evidence is currently insufficient to determine the role of this variant in disease. Therefore, it has been classified as a Variant of Uncertain Significance.

Ambry Genetics
Classification: Uncertain significance for Hereditary cancer-predisposing syndrome. Last evaluated: 2025-05-23. Review status: criteria provided, single submitter. Criteria: Ambry Variant Classification Scheme 2023. Collection method: clinical testing. Allele origin: germline.
Comment: The p.T1126I variant (also known as c.3377C>T), located in coding exon 20 of the DICER1 gene, results from a C to T substitution at nucleotide position 3377. The threonine at codon 1126 is replaced by isoleucine, an amino acid with similar properties. This amino acid position is conserved. In addition, the in silico prediction for this alteration is inconclusive. Based on the available evidence, the clinical significance of this variant remains unclear.

Baylor Genetics
Classification: Uncertain significance for Global developmental delay - lung cysts - overgrowth - Wilms tumor syndrome. Last evaluated: 2024-03-19. Review status: criteria provided, single submitter. Criteria: ACMG Guidelines, 2015. Collection method: clinical testing. Allele origin: unknown.

NM_177438.3(DICER1):c.3377C>T (p.Thr1126Ile)

Gene: DICER1 (dicer 1, ribonuclease III; minus strand). Cytogenetic location: 14q32.13.
Variant type: single nucleotide variant.
Coding change: c.3377C>T on transcript NM_177438.3 (MANE Select); coding-DNA position 3377, C replaced by T.
Protein change: p.Thr1126Ile; replaces threonine 1126 with isoleucine.
Molecular consequence: missense variant.
Genome position (GRCh38, 1-based): chr14:95,104,019, G>A on the plus strand (C>T on the coding strand, the complement: DICER1 is on the minus strand). VCF-style: chr14-95104019-G-A. GRCh37 (hg19) VCF-style: chr14-95570356-G-A.
Other names: c.3377C>T, p.Thr1126Ile (NM_001195573.1, NM_001271282.3, NM_001291628.2 and 1 more transcripts); short protein forms T1126I.
Identifiers: ClinVar variation 652492 (VCV000652492.10), dbSNP rs1595367457, ClinGen allele CA390875674.